The following is an entry in ClinVar:

NM_004064.5(CDKN1B):c.152A>G (p.Asp51Gly)

Gene: CDKN1B (cyclin dependent kinase inhibitor 1B; plus strand). Cytogenetic location: 12p13.1.
Variant type: single nucleotide variant.
Coding change: c.152A>G on transcript NM_004064.5 (MANE Select); coding-DNA position 152, A replaced by G.
Protein change: p.Asp51Gly; replaces aspartic acid 51 with glycine.
Molecular consequence: missense variant.
Genome position (GRCh38, 1-based): chr12:12,717,991, A>G. VCF-style: chr12-12717991-A-G. GRCh37 (hg19) VCF-style: chr12-12870925-A-G.
Other names: c.152A>G (NM_004064.3); short protein forms D51G.
Identifiers: ClinVar variation 2828306 (VCV002828306.4), dbSNP rs2497404309, ClinGen allele CA383969002.

ClinVar aggregate classification (germline): Uncertain significance. Review status: criteria provided, multiple submitters, no conflicts (2 of 4 stars). 2 submissions from 2 submitters: Uncertain significance (2). Last evaluated 2024-04-20.

Conditions:
Hereditary cancer-predisposing syndrome. Also called: Neoplastic Syndromes, Hereditary; Tumor predisposition; Hereditary Cancer Syndrome; Hereditary neoplastic syndrome. Identifiers: Orphanet 140162, MedGen C0027672, MeSH D009386, MONDO:0015356.
Multiple endocrine neoplasia type 4. Also called: MULTIPLE ENDOCRINE NEOPLASIA, TYPE IV. Identifiers: Orphanet 276152, MedGen C1970712, MONDO:0012552, OMIM 610755.

Allele frequency attached by ClinVar (database versions not stated): gnomAD exomes below 0.00001.

Submissions (2):

Ambry Genetics
Classification: Uncertain significance for Hereditary cancer-predisposing syndrome. Last evaluated: 2024-04-20. Review status: criteria provided, single submitter. Criteria: Ambry Variant Classification Scheme 2023. Collection method: clinical testing. Allele origin: germline.
Comment: The p.D51G variant (also known as c.152A>G), located in coding exon 1 of the CDKN1B gene, results from an A to G substitution at nucleotide position 152. The aspartic acid at codon 51 is replaced by glycine, an amino acid with similar properties. This amino acid position is conserved. In addition, the in silico prediction for this alteration is inconclusive. Based on the available evidence, the clinical significance of this variant remains unclear.

Labcorp Genetics (formerly Invitae), Labcorp
Classification: Uncertain significance for Multiple endocrine neoplasia type 4. Last evaluated: 2023-01-13. Review status: criteria provided, single submitter. Criteria: Invitae Variant Classification Sherloc (09022015). Collection method: clinical testing. Allele origin: germline.
Comment: In summary, the available evidence is currently insufficient to determine the role of this variant in disease. Therefore, it has been classified as a Variant of Uncertain Significance. Algorithms developed to predict the effect of missense changes on protein structure and function are either unavailable or do not agree on the potential impact of this missense change (SIFT: "Deleterious"; PolyPhen-2: "Benign"; Align-GVGD: "Class C15"). This variant has not been reported in the literature in individuals affected with CDKN1B-related conditions. This variant is not present in population databases (gnomAD no frequency). This sequence change replaces aspartic acid, which is acidic and polar, with glycine, which is neutral and non-polar, at codon 51 of the CDKN1B protein (p.Asp51Gly).